The following is an entry in ClinVar:

NM_016169.4(SUFU):c.1205G>A (p.Gly402Asp)

Gene: SUFU (SUFU negative regulator of hedgehog signaling; plus strand). Cytogenetic location: 10q24.32.
Variant type: single nucleotide variant.
Coding change: c.1205G>A on transcript NM_016169.4 (MANE Select); coding-DNA position 1205, G replaced by A.
Protein change: p.Gly402Asp; replaces glycine 402 with aspartic acid.
Molecular consequence: missense variant.
Genome position (GRCh38, 1-based): chr10:102,617,337, G>A. VCF-style: chr10-102617337-G-A. GRCh37 (hg19) VCF-style: chr10-104377094-G-A.
Other names: c.1205G>A, p.Gly402Asp (NM_001178133.2); short protein forms G402D.
Identifiers: ClinVar variation 999733 (VCV000999733.14), dbSNP rs2063697237, ClinGen allele CA377915434.

ClinVar aggregate classification (germline): Uncertain significance. Review status: criteria provided, multiple submitters, no conflicts (2 of 4 stars). 2 submissions from 2 submitters: Uncertain significance (2). Last evaluated 2023-09-10.

Conditions:
Hereditary cancer-predisposing syndrome. Also called: Neoplastic Syndromes, Hereditary; Hereditary neoplastic syndrome; Hereditary Cancer Syndrome; Tumor predisposition. Identifiers: Orphanet 140162, MedGen C0027672, MeSH D009386, MONDO:0015356.
Gorlin syndrome. Also called: Basal cell nevus syndrome; Nevoid Basal Cell Carcinoma Syndrome. Identifiers: Orphanet 377, MedGen C0004779, MONDO:0007187.
Medulloblastoma (MDB). Also called: Medulloblastoma, somatic; MEDULLOBLASTOMA PREDISPOSITION SYNDROME. Identifiers: Orphanet 616, MedGen C0025149, MeSH D008527, MONDO:0007959, OMIM 155255, HP:0002885.

Submissions (2):

Labcorp Genetics (formerly Invitae), Labcorp
Classification: Uncertain significance for Gorlin syndrome; Medulloblastoma. Last evaluated: 2023-09-10. Review status: criteria provided, single submitter. Criteria: Invitae Variant Classification Sherloc (09022015). Collection method: clinical testing. Allele origin: germline.
Comment: In summary, the available evidence is currently insufficient to determine the role of this variant in disease. Therefore, it has been classified as a Variant of Uncertain Significance. Advanced modeling of protein sequence and biophysical properties (such as structural, functional, and spatial information, amino acid conservation, physicochemical variation, residue mobility, and thermodynamic stability) performed at Invitae indicates that this missense variant is not expected to disrupt SUFU protein function. ClinVar contains an entry for this variant (Variation ID: 999733). This variant has not been reported in the literature in individuals affected with SUFU-related conditions. This variant is not present in population databases (gnomAD no frequency). This sequence change replaces glycine, which is neutral and non-polar, with aspartic acid, which is acidic and polar, at codon 402 of the SUFU protein (p.Gly402Asp).

Ambry Genetics
Classification: Uncertain significance for Hereditary cancer-predisposing syndrome. Last evaluated: 2022-02-23. Review status: criteria provided, single submitter. Criteria: Ambry Variant Classification Scheme 2023. Collection method: clinical testing. Allele origin: germline.
Comment: The p.G402D variant (also known as c.1205G>A), located in coding exon 10 of the SUFU gene, results from a G to A substitution at nucleotide position 1205. The glycine at codon 402 is replaced by aspartic acid, an amino acid with similar properties. This amino acid position is conserved. In addition, the in silico prediction for this alteration is inconclusive. Since supporting evidence is limited at this time, the clinical significance of this alteration remains unclear.